The following is an entry in ClinVar:

NM_001267550.2(TTN):c.106145T>C (p.Ile35382Thr)

Genes: TTN (titin; minus strand), TTN-AS1 (TTN antisense RNA 1; plus strand), LOC129935182 (ATAC-STARR-seq lymphoblastoid active region 16807; plus strand). Cytogenetic location: 2q31.2.
Variant type: single nucleotide variant.
Coding change: c.106145T>C on transcript NM_001267550.2 (MANE Select); coding-DNA position 106145, T replaced by C.
Protein change: p.Ile35382Thr; replaces isoleucine 35382 with threonine.
Molecular consequence: missense variant.
Genome position (GRCh38, 1-based): chr2:178,530,470, A>G on the plus strand (T>C on the coding strand, the complement: TTN is on the minus strand). VCF-style: chr2-178530470-A-G. GRCh37 (hg19) VCF-style: chr2-179395197-A-G.
Other names: c.101222T>C, p.Ile33741Thr (NM_001256850.1); c.78950T>C, p.Ile26317Thr (NM_003319.4); c.98441T>C, p.Ile32814Thr (NM_133378.4); c.79325T>C, p.Ile26442Thr (NM_133432.3); c.79526T>C, p.Ile26509Thr (NM_133437.4); short protein forms I26317T, I32814T, I33741T, I26442T, I35382T, I26509T.
Identifiers: ClinVar variation 4787989 (VCV004787989.1).

ClinVar aggregate classification (germline): Uncertain significance (1 of 4 stars; one submission).

Conditions:
Autosomal recessive limb-girdle muscular dystrophy type 2J (LGMDR10). Also called: Limb-girdle muscular dystrophy, type 2J; MUSCULAR DYSTROPHY, LIMB-GIRDLE, AUTOSOMAL RECESSIVE 10. Identifiers: Orphanet 140922, MedGen C1837342, MONDO:0012127, OMIM 608807.
Dilated cardiomyopathy 1G (CMD1G). Identifiers: Orphanet 154, MedGen C1858763, MONDO:0011400, OMIM 604145.

gnomAD v4.1: 1 of 1,613,964 alleles (0.000062%); highest among the groups gnomAD compares: Admixed American, 0.0017%; no homozygotes.

Submission:

Labcorp Genetics (formerly Invitae), Labcorp
Classification: Uncertain significance for Dilated cardiomyopathy 1G; Autosomal recessive limb-girdle muscular dystrophy type 2J. Last evaluated: 2025-11-21. Review status: criteria provided, single submitter. Criteria: Invitae Variant Classification Sherloc (09022015). Collection method: clinical testing. Allele origin: germline.
Comment: This sequence change replaces isoleucine, which is neutral and non-polar, with threonine, which is neutral and polar, at codon 35382 of the TTN protein (p.Ile35382Thr). This variant is present in population databases (no rsID available, gnomAD 0.006%). This variant has not been reported in the literature in individuals affected with TTN-related conditions. Experimental studies and prediction algorithms are not available or were not evaluated, and the functional significance of this variant is currently unknown. This variant is located in the M band of TTN (PMID: 25589632). Non-truncating variants in this region may be relevant for neuromuscular disorders, but have not been definitively shown to cause cardiomyopathy (PMID: 23975875). In summary, the available evidence is currently insufficient to determine the role of this variant in disease. Therefore, it has been classified as a Variant of Uncertain Significance.

Literature cited by the submitters: PubMed 25589632; PubMed 23975875.